The following is an entry in ClinVar:

NM_001267550.2(TTN):c.103576G>C (p.Glu34526Gln)

Genes: TTN (titin; minus strand), TTN-AS1 (TTN antisense RNA 1; plus strand). Cytogenetic location: 2q31.2.
Variant type: single nucleotide variant.
Coding change: c.103576G>C on transcript NM_001267550.2 (MANE Select); coding-DNA position 103576, G replaced by C.
Protein change: p.Glu34526Gln; replaces glutamic acid 34526 with glutamine.
Molecular consequence: missense variant.
Genome position (GRCh38, 1-based): chr2:178,533,039, C>G on the plus strand (G>C on the coding strand, the complement: TTN is on the minus strand). VCF-style: chr2-178533039-C-G. GRCh37 (hg19) VCF-style: chr2-179397766-C-G.
Other names: p.E31958Q:GAG>CAG; p.Glu32885Gln; c.98653G>C, p.Glu32885Gln (NM_001256850.1); c.76381G>C, p.Glu25461Gln (NM_003319.4); c.95872G>C, p.Glu31958Gln (NM_133378.4); c.76756G>C, p.Glu25586Gln (NM_133432.3); c.76957G>C, p.Glu25653Gln (NM_133437.4); short protein forms E31958Q, E34526Q, E32885Q, E25461Q, E25653Q, E25586Q.
Identifiers: ClinVar variation 202339 (VCV000202339.41), dbSNP rs770742837, ClinGen allele CA309135.

ClinVar aggregate classification (germline): Conflicting classifications of pathogenicity. Review status: criteria provided, conflicting classifications (1 of 4 stars). 10 submissions from 10 submitters: Uncertain significance (7); Likely benign (3). Last evaluated 2026-02-26.

Conditions:
TTN-related disorder. Also called: TTN-related disorders; TTN-related condition; TTN-related disease.
Cardiovascular phenotype. Identifiers: MedGen CN230736.
Dilated cardiomyopathy 1G (CMD1G). Identifiers: Orphanet 154, MedGen C1858763, MONDO:0011400, OMIM 604145.
Autosomal recessive limb-girdle muscular dystrophy type 2J (LGMDR10). Also called: MUSCULAR DYSTROPHY, LIMB-GIRDLE, AUTOSOMAL RECESSIVE 10; Limb-girdle muscular dystrophy, type 2J. Identifiers: Orphanet 140922, MedGen C1837342, MONDO:0012127, OMIM 608807.

Allele frequency attached by ClinVar (database versions not stated): gnomAD 0.00002 and 0.00001; TOPMed 0.00002; gnomAD exomes 0.00003 and 0.00013; ExAC 0.00002.
gnomAD v4.1: 182 of 1,613,804 alleles (0.011%); highest among the groups gnomAD compares: Non-Finnish European, 0.015%; no homozygotes.

Submissions (10):

PreventionGenetics, part of Exact Sciences
Classification: Uncertain significance for TTN-related condition. Last evaluated: 2026-02-26. Review status: criteria provided, single submitter. Criteria: ACMG Guidelines, 2015. Collection method: clinical testing. Allele origin: germline.
Comment: The TTN c.103576G>C variant is predicted to result in the amino acid substitution p.Glu34526Gln. To our knowledge, this variant has not been reported in the literature. This variant is reported in 0.0055% of alleles in individuals of European (Non-Finnish) descent in gnomAD. At this time, the clinical significance of this variant is uncertain due to the absence of conclusive functional and genetic evidence.

Women's Health and Genetics/Laboratory Corporation of America, LabCorp
Classification: Uncertain significance. Last evaluated: 2026-01-26. Review status: criteria provided, single submitter. Criteria: LabCorp Variant Classification Summary - May 2015. Collection method: clinical testing. Allele origin: germline.

Molecular Diagnostic Laboratory for Inherited Cardiovascular Disease, Montreal Heart Institute
Classification: Likely benign. Last evaluated: 2025-04-09. Review status: criteria provided, single submitter. Criteria: ACMG Guidelines, 2015. Collection method: clinical testing. Allele origin: germline. Affected: no.

Mayo Clinic Laboratories, Mayo Clinic
Classification: Uncertain significance. Last evaluated: 2024-12-26. Review status: criteria provided, single submitter. Criteria: ACMG Guidelines, 2015. Collection method: clinical testing. Allele origin: germline. Observed: 1 variant allele.
Comment: BP4

Revvity Omics, Revvity
Classification: Uncertain significance. Last evaluated: 2024-04-30. Review status: criteria provided, single submitter. Criteria: ACMG Guidelines, 2015. Collection method: clinical testing. Allele origin: germline.

CeGaT Center for Human Genetics Tuebingen
Classification: Uncertain significance. Last evaluated: 2023-10-01. Review status: criteria provided, single submitter. Criteria: CeGaT Center For Human Genetics Tuebingen Variant Classification Criteria Version 2. Collection method: clinical testing. Allele origin: germline. Affected: yes. Observed: 1 variant allele.
Comment: TTN: PM2:Supporting, BP4

Ambry Genetics
Classification: Likely benign for Cardiovascular phenotype. Last evaluated: 2020-06-02. Review status: criteria provided, single submitter. Criteria: Ambry Variant Classification Scheme 2023. Collection method: clinical testing. Allele origin: germline.

Labcorp Genetics (formerly Invitae), Labcorp
Classification: Uncertain significance for Dilated cardiomyopathy 1G; Autosomal recessive limb-girdle muscular dystrophy type 2J. Last evaluated: 2017-03-12. Review status: criteria provided, single submitter. Criteria: Invitae Variant Classification Sherloc (09022015). Collection method: clinical testing. Allele origin: germline.

Eurofins Ntd Llc (ga)
Classification: Uncertain significance. Last evaluated: 2015-08-21. Review status: criteria provided, single submitter. Criteria: EGL Classification Definitions 2015. Collection method: clinical testing. Allele origin: germline. Observed: 1 variant allele, 1 heterozygote.

GeneDx
Classification: Likely benign. Last evaluated: 2012-08-21. Review status: criteria provided, single submitter. Criteria: GeneDx Variant Classification (06012015). Collection method: clinical testing. Allele origin: germline. Affected: yes.
Comment: This variant is considered likely benign or benign based on one or more of the following criteria: it is a conservative change, it occurs at a poorly conserved position in the protein, it is predicted to be benign by multiple in silico algorithms, and/or has population frequency not consistent with disease.